The following is an entry in ClinVar:

NM_000180.4(GUCY2D):c.1837G>C (p.Gly613Arg)

Gene: GUCY2D (guanylate cyclase 2D, retinal; plus strand). Cytogenetic location: 17p13.1.
Variant type: single nucleotide variant.
Coding change: c.1837G>C on transcript NM_000180.4 (MANE Select); coding-DNA position 1837, G replaced by C.
Protein change: p.Gly613Arg; replaces glycine 613 with arginine.
Molecular consequence: missense variant.
Genome position (GRCh38, 1-based): chr17:8,012,231, G>C. VCF-style: chr17-8012231-G-C. GRCh37 (hg19) VCF-style: chr17-7915549-G-C.
Other names: short protein forms G613R.
Identifiers: ClinVar variation 4268063 (VCV004268063.2).
Genomic context (GRCh38, chr17:8,012,231, plus strand): 5'-GCCCTCTACCTGGGGCTTTTCCTGGCTCGGGGAGCAGAAGGCCCTGCGGCCCTCTGGGAG[G>C]GCAACCTGGCTGTGGTCTCAGAGCACTGCACGCGGGGCTCTCTTCAGGACCTCCTCGCTC-3'
Protein context (NP_000171.1, residues 603-623): GAEGPAALWE[Gly613Arg]NLAVVSEHCT

ClinVar aggregate classification (germline): Uncertain significance. Review status: criteria provided, multiple submitters, no conflicts (2 of 4 stars). 2 submissions from 2 submitters: Uncertain significance (2). Last evaluated 2025-08-05.

Conditions:
Inborn genetic diseases. Identifiers: MedGen C0950123, MeSH D030342.
Cone-rod dystrophy 6 (CORD6). Also called: RETINAL CONE DYSTROPHY 2; Cone dystrophy progressive. Identifiers: Orphanet 1872, MedGen C1866293, MONDO:0011143, OMIM 601777.
Leber congenital amaurosis 1 (LCA1). Also called: AMAUROSIS CONGENITA OF LEBER I; RETINAL BLINDNESS, CONGENITAL; Congenital absence of the rods and cones; Leber's congenital tapetoretinal degeneration; Leber's congenital tapetoretinal dysplasia. Identifiers: Orphanet 65, MedGen C2931258, MONDO:0008764, OMIM 204000.

gnomAD v4.1: 1 of 1,613,928 alleles (0.000062%); highest among the groups gnomAD compares: African/African-American, 0.0013%; no homozygotes.

Submissions (2):

Ambry Genetics
Classification: Uncertain significance for Inborn genetic diseases. Last evaluated: 2025-08-05. Review status: criteria provided, single submitter. Criteria: Ambry Variant Classification Scheme 2023. Collection method: clinical testing. Allele origin: germline.

Labcorp Genetics (formerly Invitae), Labcorp
Classification: Uncertain significance for Leber congenital amaurosis 1; Cone-rod dystrophy 6. Last evaluated: 2025-06-11. Review status: criteria provided, single submitter. Criteria: Invitae Variant Classification Sherloc (09022015). Collection method: clinical testing. Allele origin: germline.
Comment: This sequence change replaces glycine, which is neutral and non-polar, with arginine, which is basic and polar, at codon 613 of the GUCY2D protein (p.Gly613Arg). This variant is present in population databases (no rsID available, gnomAD 0.01%). This variant has not been reported in the literature in individuals affected with GUCY2D-related conditions. Invitae Evidence Modeling of protein sequence and biophysical properties (such as structural, functional, and spatial information, amino acid conservation, physicochemical variation, residue mobility, and thermodynamic stability) indicates that this missense variant is not expected to disrupt GUCY2D protein function with a negative predictive value of 95%. In summary, the available evidence is currently insufficient to determine the role of this variant in disease. Therefore, it has been classified as a Variant of Uncertain Significance.